The following is an entry in ClinVar:

ClinVar aggregate classification (germline): Uncertain significance (1 of 4 stars; one submission).

Conditions:
Leber congenital amaurosis 13 (LCA13). Identifiers: MedGen C2675186, MONDO:0012990, OMIM 612712.

Submission:

Labcorp Genetics (formerly Invitae), Labcorp
Classification: Uncertain significance for Leber congenital amaurosis 13. Last evaluated: 2023-05-20. Review status: criteria provided, single submitter. Criteria: Invitae Variant Classification Sherloc (09022015). Collection method: clinical testing. Allele origin: germline.
Comment: Algorithms developed to predict the effect of sequence changes on RNA splicing suggest that this variant may create or strengthen a splice site. This variant has not been reported in the literature in individuals affected with RDH12-related conditions. This variant is not present in population databases (gnomAD no frequency). This sequence change affects codon 221 of the RDH12 mRNA. It is a 'silent' change, meaning that it does not change the encoded amino acid sequence of the RDH12 protein. In summary, the available evidence is currently insufficient to determine the role of this variant in disease. Therefore, it has been classified as a Variant of Uncertain Significance.

NM_152443.3(RDH12):c.663C>A (p.Thr221=)

Genes: RDH12 (retinol dehydrogenase 12; plus strand), GPHN (gephyrin; plus strand), ZFYVE26 (zinc finger FYVE-type containing 26; minus strand). Cytogenetic location: 14q24.1.
Variant type: single nucleotide variant.
Coding change: c.663C>A on transcript NM_152443.3 (MANE Select); coding-DNA position 663, C replaced by A.
Protein change: p.Thr221=; no amino-acid change (threonine 221 retained).
Molecular consequence: synonymous variant.
Genome position (GRCh38, 1-based): chr14:67,729,195, C>A. VCF-style: chr14-67729195-C-A. GRCh37 (hg19) VCF-style: chr14-68195912-C-A.
Identifiers: ClinVar variation 2866260 (VCV002866260.3), dbSNP rs777417667, ClinGen allele CA486771929.